The following is an entry in ClinVar:

NM_012337.3(CFAP45):c.348C>G (p.Ser116=)

Gene: CFAP45 (cilia and flagella associated protein 45; minus strand). Cytogenetic location: 1q23.2.
Variant type: single nucleotide variant.
Coding change: c.348C>G on transcript NM_012337.3 (MANE Select); coding-DNA position 348, C replaced by G.
Protein change: p.Ser116=; no amino-acid change (serine 116 retained).
Molecular consequence: synonymous variant.
Genome position (GRCh38, 1-based): chr1:159,888,421, G>C on the plus strand (C>G on the coding strand, the complement: CFAP45 is on the minus strand). VCF-style: chr1-159888421-G-C. GRCh37 (hg19) VCF-style: chr1-159858211-G-C.
Identifiers: ClinVar variation 4085542 (VCV004085542.8).

ClinVar aggregate classification (germline): Likely benign (1 of 4 stars; one submission).

Submission:

CeGaT Center for Human Genetics Tuebingen
Classification: Likely benign. Last evaluated: 2025-07-01. Review status: criteria provided, single submitter. Criteria: CeGaT Center For Human Genetics Tuebingen Variant Classification Criteria Version 2. Collection method: clinical testing. Allele origin: germline. Affected: yes. Observed: 1 variant allele.
Comment: CFAP45: PM2:Supporting, BP4, BP7